The following is an entry in ClinVar:

NM_017654.4(SAMD9):c.4183C>T (p.Leu1395Phe)

Gene: SAMD9 (sterile alpha motif domain containing 9; minus strand). Cytogenetic location: 7q21.2.
Variant type: single nucleotide variant.
Coding change: c.4183C>T on transcript NM_017654.4 (MANE Select); coding-DNA position 4183, C replaced by T.
Protein change: p.Leu1395Phe; replaces leucine 1395 with phenylalanine.
Molecular consequence: missense variant.
Genome position (GRCh38, 1-based): chr7:93,101,915, G>A on the plus strand (C>T on the coding strand, the complement: SAMD9 is on the minus strand). VCF-style: chr7-93101915-G-A. GRCh37 (hg19) VCF-style: chr7-92731228-G-A.
Other names: c.4183C>T, p.Leu1395Phe (NM_001193307.2); short protein forms L1395F.
Identifiers: ClinVar variation 4159099 (VCV004159099.1).
Genomic context (GRCh38, chr7:93,101,915, plus strand): 5'-GCTGATCTTTTAGTTTTTCAACTGGCTTTACTAATCTGGAGGTAGGTTGGATACAGGAGA[G>A]AATAATGTTGGCCAAGATGAAATTTAGCTTTTCTTTTGACTGGATTTTGACAGTGCATTG-3'
Protein context (NP_060124.2, residues 1385-1405): KLNFILANII[Leu1395Phe]SCIQPTSRLV

ClinVar aggregate classification (germline): Uncertain significance (1 of 4 stars; one submission).

Conditions:
Inborn genetic diseases. Identifiers: MedGen C0950123, MeSH D030342.

gnomAD v4.1: 1 of 1,613,844 alleles (0.000062%); highest among the groups gnomAD compares: Non-Finnish European, 0.000085%; no homozygotes.

Submission:

Ambry Genetics
Classification: Uncertain significance for Inborn genetic diseases. Last evaluated: 2025-07-28. Review status: criteria provided, single submitter. Criteria: Ambry Variant Classification Scheme 2023. Collection method: clinical testing. Allele origin: germline.
Comment: The p.L1395F variant (also known as c.4183C>T), located in coding exon 1 of the SAMD9 gene, results from a C to T substitution at nucleotide position 4183. The leucine at codon 1395 is replaced by phenylalanine, an amino acid with highly similar properties. This amino acid position is conserved. In addition, this alteration is predicted to be tolerated by in silico analysis. Based on the available evidence, the clinical significance of this variant remains unclear.